The following is an entry in ClinVar:

NM_021076.4(NEFH):c.574C>G (p.Arg192Gly)

Gene: NEFH (neurofilament heavy chain; plus strand). Cytogenetic location: 22q12.2.
Variant type: single nucleotide variant.
Coding change: c.574C>G on transcript NM_021076.4 (MANE Select); coding-DNA position 574, C replaced by G.
Protein change: p.Arg192Gly; replaces arginine 192 with glycine.
Molecular consequence: missense variant.
Genome position (GRCh38, 1-based): chr22:29,480,836, C>G. VCF-style: chr22-29480836-C-G. GRCh37 (hg19) VCF-style: chr22-29876825-C-G.
Other names: short protein forms R192G.
Identifiers: ClinVar variation 3676822 (VCV003676822.2).

ClinVar aggregate classification (germline): Uncertain significance (1 of 4 stars; one submission).

Submission:

Labcorp Genetics (formerly Invitae), Labcorp
Classification: Uncertain significance. Last evaluated: 2025-05-11. Review status: criteria provided, single submitter. Criteria: Invitae Variant Classification Sherloc (09022015). Collection method: clinical testing. Allele origin: germline.
Comment: This sequence change replaces arginine, which is basic and polar, with glycine, which is neutral and non-polar, at codon 192 of the NEFH protein (p.Arg192Gly). This variant is not present in population databases (gnomAD no frequency). This variant has not been reported in the literature in individuals affected with NEFH-related conditions. ClinVar contains an entry for this variant (Variation ID: 3676822). Invitae Evidence Modeling of protein sequence and biophysical properties (such as structural, functional, and spatial information, amino acid conservation, physicochemical variation, residue mobility, and thermodynamic stability) indicates that this missense variant is not expected to disrupt NEFH protein function with a negative predictive value of 95%. In summary, the available evidence is currently insufficient to determine the role of this variant in disease. Therefore, it has been classified as a Variant of Uncertain Significance.